The following is an entry in ClinVar:

ClinVar aggregate classification (germline): Uncertain significance. Review status: criteria provided, multiple submitters, no conflicts (2 of 4 stars). 2 submissions from 2 submitters: Uncertain significance (2). Last evaluated 2025-01-13.

Conditions:
Immunodeficiency 87 and autoimmunity. Identifiers: MedGen C5562070, MONDO:0030457, OMIM 619573.

Allele frequency attached by ClinVar (database versions not stated): gnomAD exomes 0.00001; gnomAD 0.00002; TOPMed 0.00005.

Submissions (2):

Labcorp Genetics (formerly Invitae), Labcorp
Classification: Uncertain significance. Last evaluated: 2025-01-13. Review status: criteria provided, single submitter. Criteria: Invitae Variant Classification Sherloc (09022015). Collection method: clinical testing. Allele origin: germline.
Comment: This sequence change replaces alanine, which is neutral and non-polar, with valine, which is neutral and non-polar, at codon 617 of the DEF6 protein (p.Ala617Val). This variant is present in population databases (no rsID available, gnomAD 0.01%). This variant has not been reported in the literature in individuals affected with DEF6-related conditions. ClinVar contains an entry for this variant (Variation ID: 1405619). Experimental studies and prediction algorithms are not available or were not evaluated, and the functional significance of this variant is currently unknown. In summary, the available evidence is currently insufficient to determine the role of this variant in disease. Therefore, it has been classified as a Variant of Uncertain Significance.

Baylor Genetics
Classification: Uncertain significance for Immunodeficiency 87 and autoimmunity. Last evaluated: 2022-09-19. Review status: criteria provided, single submitter. Criteria: ACMG Guidelines, 2015. Collection method: clinical testing. Allele origin: unknown.

NM_022047.4(DEF6):c.1850C>T (p.Ala617Val)

Gene: DEF6 (DEF6 guanine nucleotide exchange factor; plus strand). Cytogenetic location: 6p21.31.
Variant type: single nucleotide variant.
Coding change: c.1850C>T on transcript NM_022047.4 (MANE Select); coding-DNA position 1850, C replaced by T.
Protein change: p.Ala617Val; replaces alanine 617 with valine.
Molecular consequence: missense variant.
Genome position (GRCh38, 1-based): chr6:35,321,364, C>T. VCF-style: chr6-35321364-C-T. GRCh37 (hg19) VCF-style: chr6-35289141-C-T.
Other names: short protein forms A617V.
Identifiers: ClinVar variation 1405619 (VCV001405619.4), dbSNP rs866047183, ClinGen allele CA137284401.